The following is an entry in ClinVar:

NM_000789.4(ACE):c.2881G>C (p.Ala961Pro)

Gene: ACE (angiotensin I converting enzyme; plus strand). Cytogenetic location: 17q23.3.
Variant type: single nucleotide variant.
Coding change: c.2881G>C on transcript NM_000789.4 (MANE Select); coding-DNA position 2881, G replaced by C.
Protein change: p.Ala961Pro; replaces alanine 961 with proline.
Molecular consequence: missense variant.
Genome position (GRCh38, 1-based): chr17:63,491,350, G>C. VCF-style: chr17-63491350-G-C. GRCh37 (hg19) VCF-style: chr17-61568711-G-C.
Other names: c.1159G>C, p.Ala387Pro (NM_001178057.2, NM_152830.3); c.2881G>C (NM_000789.3); short protein forms A961P, A387P.
Identifiers: ClinVar variation 376903 (VCV000376903.5), dbSNP rs779833433, ClinGen allele CA8700294.

ClinVar aggregate classification (germline): Uncertain significance. Review status: criteria provided, multiple submitters, no conflicts (2 of 4 stars). 3 submissions from 3 submitters: Uncertain significance (3). Last evaluated 2025-07-02.

Conditions:
ACE-related disorder. Also called: ACE-related condition; ACE-related disorders.
Renal tubular dysgenesis of genetic origin. Also called: PRIMITIVE RENAL TUBULE SYNDROME. Identifiers: Orphanet 97369, MedGen C5681536, MONDO:0009970, OMIM 267430.
Microvascular complications of diabetes, susceptibility to, 3. Identifiers: MedGen C2675470, MONDO:0012963, OMIM 612624.
Hemorrhage, intracerebral, susceptibility to (ICH). Also called: Stroke, hemorrhagic, susceptibility to. Identifiers: MedGen C3281105, MONDO:0100533, OMIM 614519.

Allele frequency attached by ClinVar (database versions not stated): ExAC 0.00002; gnomAD exomes 0.00003 and 0.00008; TOPMed 0.00004; gnomAD 0.00005.

Submissions (3):

PreventionGenetics, part of Exact Sciences
Classification: Uncertain significance for ACE-related condition. Last evaluated: 2025-07-02. Review status: criteria provided, single submitter. Criteria: ACMG Guidelines, 2015. Collection method: clinical testing. Allele origin: germline.
Comment: The ACE c.2881G>C variant is predicted to result in the amino acid substitution p.Ala961Pro. To our knowledge, this variant has not been reported in the literature. This variant is reported in 0.0054% of alleles in individuals of European (non-Finnish) descent in gnomAD. At this time, the clinical significance of this variant is uncertain due to the absence of conclusive functional and genetic evidence.

Fulgent Genetics
Classification: Uncertain significance for Renal tubular dysgenesis of genetic origin; Microvascular complications of diabetes, susceptibility to, 3; Hemorrhage, intracerebral, susceptibility to. Last evaluated: 2024-01-18. Review status: criteria provided, single submitter. Criteria: ACMG Guidelines, 2015. Collection method: clinical testing. Allele origin: germline.

Center for Pediatric Genomic Medicine, Children's Mercy Hospital and Clinics
Classification: Uncertain significance. Last evaluated: 2016-08-31. Review status: criteria provided, single submitter. Criteria: ACMG Guidelines, 2015. Collection method: clinical testing. Allele origin: germline.
ClinVar note: Converted during submission from Uncertain Significance to Uncertain significance.